The following is an entry in ClinVar:

ClinVar aggregate classification (germline): Uncertain significance (1 of 4 stars; one submission).

Conditions:
Cystic fibrosis (CF). Also called: MUCOVISCIDOSIS. Identifiers: Orphanet 586, MedGen C0010674, MONDO:0009061, OMIM 219700. Disease mechanism: loss of function.

Submission:

Ambry Genetics
Classification: Uncertain significance for Cystic fibrosis. Last evaluated: 2024-09-12. Review status: criteria provided, single submitter. Criteria: Ambry Variant Classification Scheme 2023. Collection method: clinical testing. Allele origin: germline.
Comment: The p.N432S variant (also known as c.1295A>G), located in coding exon 10 of the CFTR gene, results from an A to G substitution at nucleotide position 1295. The asparagine at codon 432 is replaced by serine, an amino acid with highly similar properties. This amino acid position is conserved. In addition, the in silico prediction for this alteration is inconclusive. Since supporting evidence is limited at this time, the clinical significance of this alteration remains unclear.

NM_000492.4(CFTR):c.1295A>G (p.Asn432Ser)

Genes: CFTR (CF transmembrane conductance regulator; plus strand), CFTR-AS1 (CFTR antisense RNA 1; minus strand). Cytogenetic location: 7q31.2.
Variant type: single nucleotide variant.
Coding change: c.1295A>G on transcript NM_000492.4 (MANE Select); coding-DNA position 1295, A replaced by G.
Protein change: p.Asn432Ser; replaces asparagine 432 with serine.
Molecular consequence: missense variant.
Genome position (GRCh38, 1-based): chr7:117,548,726, A>G. VCF-style: chr7-117548726-A-G. GRCh37 (hg19) VCF-style: chr7-117188780-A-G.
Other names: short protein forms N432S.
Identifiers: ClinVar variation 1769187 (VCV001769187.3), dbSNP rs2485046232, ClinGen allele CA368981770.